The following is an entry in ClinVar:

NM_205850.3(SLC24A5):c.1325C>A (p.Thr442Asn)

Genes: MYEF2 (myelin expression factor 2; minus strand), SLC24A5 (solute carrier family 24 member 5; plus strand). Cytogenetic location: 15q21.1.
Variant type: single nucleotide variant.
Coding change: c.1325C>A on transcript NM_205850.3 (MANE Select); coding-DNA position 1325, C replaced by A.
Protein change: p.Thr442Asn; replaces threonine 442 with asparagine.
Molecular consequence: missense variant. On other transcripts: 3 prime UTR variant (2).
Genome position (GRCh38, 1-based): chr15:48,142,173, C>A. VCF-style: chr15-48142173-C-A. GRCh37 (hg19) VCF-style: chr15-48434370-C-A.
Other names: c.*735G>T (NM_001301210.2, NM_016132.5); c.1325C>A (NM_205850.2); short protein forms T442N.
Identifiers: ClinVar variation 2188917 (VCV002188917.3), dbSNP rs758749486, ClinGen allele CA7546109.

ClinVar aggregate classification (germline): Uncertain significance. Review status: criteria provided, multiple submitters, no conflicts (2 of 4 stars). 2 submissions from 2 submitters: Uncertain significance (2). Last evaluated 2025-07-02.

Conditions:
Inborn genetic diseases. Identifiers: MedGen C0950123, MeSH D030342.
Oculocutaneous albinism type 6 (OCA6). Also called: Albinism, oculocutaneous, type VI. Identifiers: Orphanet 370097, MedGen C3805375, MONDO:0018264, OMIM 113750.

Allele frequency attached by ClinVar (database versions not stated): gnomAD 0.00001; TOPMed 0.00002; ExAC 0.00003; gnomAD exomes 0.00001.
gnomAD v4.1: 19 of 1,613,724 alleles (0.0012%); highest among the groups gnomAD compares: Admixed American, 0.01%; no homozygotes.

Submissions (2):

Ambry Genetics
Classification: Uncertain significance for Inborn genetic diseases. Last evaluated: 2025-07-02. Review status: criteria provided, single submitter. Criteria: Ambry Variant Classification Scheme 2023. Collection method: clinical testing. Allele origin: germline.

Labcorp Genetics (formerly Invitae), Labcorp
Classification: Uncertain significance. Last evaluated: 2022-07-26. Review status: criteria provided, single submitter. Criteria: Invitae Variant Classification Sherloc (09022015). Collection method: clinical testing. Allele origin: germline.
Comment: This sequence change replaces threonine, which is neutral and polar, with asparagine, which is neutral and polar, at codon 442 of the SLC24A5 protein (p.Thr442Asn). This variant is present in population databases (rs758749486, gnomAD 0.01%). This variant has not been reported in the literature in individuals affected with SLC24A5-related conditions. Algorithms developed to predict the effect of missense changes on protein structure and function are either unavailable or do not agree on the potential impact of this missense change (SIFT: "Deleterious"; PolyPhen-2: "Benign"; Align-GVGD: "Class C0"). In summary, the available evidence is currently insufficient to determine the role of this variant in disease. Therefore, it has been classified as a Variant of Uncertain Significance.